The following is an entry in ClinVar:

NM_139058.3(ARX):c.115T>A (p.Cys39Ser)

Gene: ARX (aristaless related homeobox; minus strand). Cytogenetic location: Xp21.3.
Variant type: single nucleotide variant.
Coding change: c.115T>A on transcript NM_139058.3 (MANE Select); coding-DNA position 115, T replaced by A.
Protein change: p.Cys39Ser; replaces cysteine 39 with serine.
Molecular consequence: missense variant.
Genome position (GRCh38, 1-based): chrX:25,015,623, A>T on the plus strand (T>A on the coding strand, the complement: ARX is on the minus strand). VCF-style: chrX-25015623-A-T. GRCh37 (hg19) VCF-style: chrX-25033740-A-T.
Other names: short protein forms C39S.
Identifiers: ClinVar variation 4789433 (VCV004789433.1).

ClinVar aggregate classification (germline): Uncertain significance (1 of 4 stars; one submission).

Conditions:
Intellectual disability, X-linked, with or without seizures, ARX-related. Also called: MENTAL RETARDATION, X-LINKED 29; MENTAL RETARDATION, X-LINKED 32; MENTAL RETARDATION, X-LINKED 33; MENTAL RETARDATION, X-LINKED 38; MENTAL RETARDATION, X-LINKED 43; MENTAL RETARDATION, X-LINKED 76. Identifiers: Orphanet 777, MedGen C0796244, MONDO:0010317, OMIM 300419.
Developmental and epileptic encephalopathy, 1 (DEE1). Also called: X-linked infantile spasms; West's syndrome; Tonic spasms with clustering, arrest of psychomotor development and hypsarrhythmia on EEG; X-Linked Infantile Spasm Syndrome; OHTAHARA SYNDROME, X-LINKED; Epileptic encephalopathy, early infantile, 1. Identifiers: MedGen C3463992, MONDO:0010632, OMIM 308350. Disease mechanism: loss of function.

Submission:

Labcorp Genetics (formerly Invitae), Labcorp
Classification: Uncertain significance for Developmental and epileptic encephalopathy, 1; Intellectual disability, X-linked, with or without seizures, ARX-related. Last evaluated: 2025-05-27. Review status: criteria provided, single submitter. Criteria: Invitae Variant Classification Sherloc (09022015). Collection method: clinical testing. Allele origin: germline.
Comment: This sequence change replaces cysteine, which is neutral and slightly polar, with serine, which is neutral and polar, at codon 39 of the ARX protein (p.Cys39Ser). This variant is not present in population databases (gnomAD no frequency). This variant has not been reported in the literature in individuals affected with ARX-related conditions. Invitae Evidence Modeling of protein sequence and biophysical properties (such as structural, functional, and spatial information, amino acid conservation, physicochemical variation, residue mobility, and thermodynamic stability) has been performed for this missense variant. However, the output from this modeling did not meet the statistical confidence thresholds required to predict the impact of this variant on ARX protein function. In summary, the available evidence is currently insufficient to determine the role of this variant in disease. Therefore, it has been classified as a Variant of Uncertain Significance.